The following is an entry in ClinVar:

ClinVar aggregate classification (germline): Uncertain significance (1 of 4 stars; one submission).

Allele frequency attached by ClinVar (database versions not stated): gnomAD exomes below 0.00001; ExAC 0.00001; gnomAD 0.00001; ESP Exome Variant Server 0.00008.
gnomAD v4.1: 2 of 1,613,826 alleles (0.00012%); highest among the groups gnomAD compares: Non-Finnish European, 0.00017%; no homozygotes.

Submission:

Labcorp Genetics (formerly Invitae), Labcorp
Classification: Uncertain significance. Last evaluated: 2024-05-29. Review status: criteria provided, single submitter. Criteria: Invitae Variant Classification Sherloc (09022015). Collection method: clinical testing. Allele origin: germline.
Comment: This sequence change replaces valine, which is neutral and non-polar, with alanine, which is neutral and non-polar, at codon 254 of the TMC1 protein (p.Val254Ala). This variant is present in population databases (rs375919123, gnomAD 0.002%). This variant has not been reported in the literature in individuals affected with TMC1-related conditions. ClinVar contains an entry for this variant (Variation ID: 1720344). Advanced modeling of protein sequence and biophysical properties (such as structural, functional, and spatial information, amino acid conservation, physicochemical variation, residue mobility, and thermodynamic stability) performed at Invitae indicates that this missense variant is not expected to disrupt TMC1 protein function with a negative predictive value of 95%. In summary, the available evidence is currently insufficient to determine the role of this variant in disease. Therefore, it has been classified as a Variant of Uncertain Significance.

NM_138691.3(TMC1):c.761T>C (p.Val254Ala)

Gene: TMC1 (transmembrane channel like 1; plus strand). Cytogenetic location: 9q21.13.
Variant type: single nucleotide variant.
Coding change: c.761T>C on transcript NM_138691.3 (MANE Select); coding-DNA position 761, T replaced by C.
Protein change: p.Val254Ala; replaces valine 254 with alanine.
Molecular consequence: missense variant.
Genome position (GRCh38, 1-based): chr9:72,772,432, T>C. VCF-style: chr9-72772432-T-C. GRCh37 (hg19) VCF-style: chr9-75387348-T-C.
Other names: short protein forms V254A.
Identifiers: ClinVar variation 1720344 (VCV001720344.5), dbSNP rs375919123, ClinGen allele CA5081785.